The following is an entry in ClinVar:

ClinVar aggregate classification (germline): Benign. Review status: criteria provided, multiple submitters, no conflicts (2 of 4 stars). 5 submissions from 4 submitters: Benign (3). 2 of the submissions do not count toward it. Last evaluated 2024-09-16.

Conditions:
CDKL5 disorder. Identifiers: MedGen CN296942, MONDO:0100039.

Allele frequency attached by ClinVar (database versions not stated): 1000 Genomes Project 30x 0.57711; gnomAD 0.44728 and 0.44413; 1000 Genomes Project 0.57113; gnomAD exomes 0.39021; TOPMed 0.49146.
gnomAD v4.1: 199,035 of 492,998 alleles (40%); highest among the groups gnomAD compares: Admixed American, 70%; 30,439 homozygotes.

Submissions (5):

Centre for Population Genomics, CPG
Classification: Benign for CDKL5 disorder. Last evaluated: 2024-09-16. Review status: criteria provided, single submitter. Criteria: McKnight et al. (Hum Mutat. 2022). Collection method: curation. Allele origin: germline. Inheritance: X-linked inheritance.
Comment: This variant has been collected from RettBASE and curated to current modified ACMG/AMP criteria. Based on the classification scheme defined by the ClinGen Rett/Angelman-like Expert Panel for Rett/AS-like Disorders Specifications to the ACMG/AMP Variant Interpretation Guidelines VCEP 3.0, this variant is classified as benign. At least the following criteria are met: The allele frequency of this variant in at least one population in gnomAD is higher than the 0.03% threshold defined by the ClinGen Rett/Angelman-like Expert Panel for Rett/AS-like Disorders VCEP 3.0 (BA1).

GeneDx
Classification: Benign. Last evaluated: 2018-06-14. Review status: criteria provided, single submitter. Criteria: GeneDx Variant Classification (06012015). Collection method: clinical testing. Allele origin: germline. Affected: yes.
Comment: This variant is considered likely benign or benign based on one or more of the following criteria: it is a conservative change, it occurs at a poorly conserved position in the protein, it is predicted to be benign by multiple in silico algorithms, and/or has population frequency not consistent with disease.

Breakthrough Genomics
Classification: Benign. Review status: criteria provided, single submitter. Criteria: ACMG Guidelines, 2015. Collection method: not provided. Allele origin: germline. Inheritance: X-linked inheritance. Affected: yes.

RettBASE
Classification: Benign. Last evaluated: 2014-03-13. Review status: no assertion criteria provided. Collection method: curation. Allele origin: unknown. Observed: 22 variant alleles. Not counted in ClinVar's aggregate classification.
Comment: Common polymorphism in intron 16

RettBASE
No classification provided. Review status: flagged submission. Collection method: not provided. Allele origin: not provided. Not counted in ClinVar's aggregate classification.
ClinVar note: Reason: This record appears to be redundant with a more recent record from the same submitter.
ClinVar note: Notes: SCV000189203 appears to be redundant with SCV000222258.

Literature cited by the submitters: PubMed 16015284 (cited by RettBASE); PubMed 20397747 (cited by RettBASE).

NM_001323289.2(CDKL5):c.2376+118T>A

Gene: CDKL5 (cyclin dependent kinase like 5; plus strand). Cytogenetic location: Xp22.13.
Variant type: single nucleotide variant.
Coding change: c.2376+118T>A on transcript NM_001323289.2 (MANE Select); 118 bases into the intron after coding-DNA position 2376, T replaced by A.
Molecular consequence: intron variant.
Genome position (GRCh38, 1-based): chrX:18,620,084, T>A. VCF-style: chrX-18620084-T-A. GRCh37 (hg19) VCF-style: chrX-18638204-T-A.
Other names: c.2376+118T>A (NM_003159.3, NM_001037343.2).
Identifiers: ClinVar variation 156079 (VCV000156079.6), dbSNP rs3752484, ClinGen allele CA199335.
Genomic context (GRCh38, chrX:18,620,084, plus strand): 5'-ACTTTACACTTTGCACTTGGCAATCAAAGTTGATTGTTTTCTTATTGAGACTTGACATTT[T>A]TGCACTGTATTATGTCTCTTTCTGAAATTCTTTACAACTATCCTCTCAACAGAGCCTTTT-3'